The following is an entry in ClinVar:

ClinVar aggregate classification (germline): Benign (0 of 4 stars; one submission).

Conditions:
FSIP2-related disorder. Also called: FSIP2-related condition.

Allele frequency attached by ClinVar (database versions not stated): gnomAD exomes 0.00031; ExAC 0.00049; 1000 Genomes Project 0.00200; 1000 Genomes Project 30x 0.00203; gnomAD 0.00315; TOPMed 0.00354.
gnomAD v4.1: 917 of 1,529,480 alleles (0.06%); highest among the groups gnomAD compares: African/African-American, 1.1%; 5 homozygotes.

Submission:

PreventionGenetics, part of Exact Sciences
Classification: Benign for FSIP2-related condition. Last evaluated: 2024-08-30. Review status: no assertion criteria provided. Collection method: clinical testing. Allele origin: germline.
Comment: This variant is classified as benign based on ACMG/AMP sequence variant interpretation guidelines (Richards et al. 2015 PMID: 25741868, with internal and published modifications).

NM_173651.4(FSIP2):c.5367T>C (p.Phe1789=)

Genes: FSIP2 (fibrous sheath interacting protein 2; plus strand), FSIP2-AS1 (FSIP2 antisense RNA 1; minus strand). Cytogenetic location: 2q32.1.
Variant type: single nucleotide variant.
Coding change: c.5367T>C on transcript NM_173651.4 (MANE Select); coding-DNA position 5367, T replaced by C.
Protein change: p.Phe1789=; no amino-acid change (phenylalanine 1789 retained).
Molecular consequence: synonymous variant.
Genome position (GRCh38, 1-based): chr2:185,792,503, T>C. VCF-style: chr2-185792503-T-C. GRCh37 (hg19) VCF-style: chr2-186657230-T-C.
Identifiers: ClinVar variation 3050785 (VCV003050785.2), dbSNP rs148932308, ClinGen allele CA2016702.